The following is an entry in ClinVar:

NM_000051.4(ATM):c.2336T>G (p.Met779Arg)

Gene: ATM (ATM serine/threonine kinase; plus strand). Cytogenetic location: 11q22.3.
Variant type: single nucleotide variant.
Coding change: c.2336T>G on transcript NM_000051.4 (MANE Select); coding-DNA position 2336, T replaced by G.
Protein change: p.Met779Arg; replaces methionine 779 with arginine.
Molecular consequence: missense variant.
Genome position (GRCh38, 1-based): chr11:108,257,566, T>G. VCF-style: chr11-108257566-T-G. GRCh37 (hg19) VCF-style: chr11-108128293-T-G.
Other names: c.2336T>G, p.Met779Arg (NM_001351834.2); short protein forms M779R.
Identifiers: ClinVar variation 1789786 (VCV001789786.2), dbSNP rs587778066, ClinGen allele CA382540112.

ClinVar aggregate classification (germline): Uncertain significance (1 of 4 stars; one submission).

Conditions:
Hereditary cancer-predisposing syndrome. Also called: Hereditary Cancer Syndrome; Hereditary neoplastic syndrome; Tumor predisposition; Neoplastic Syndromes, Hereditary. Identifiers: Orphanet 140162, MedGen C0027672, MeSH D009386, MONDO:0015356.

Submission:

Ambry Genetics
Classification: Uncertain significance for Hereditary cancer-predisposing syndrome. Last evaluated: 2020-05-27. Review status: criteria provided, single submitter. Criteria: Ambry Variant Classification Scheme 2023. Collection method: clinical testing. Allele origin: germline.
Comment: The p.M779R variant (also known as c.2336T>G), located in coding exon 14 of the ATM gene, results from a T to G substitution at nucleotide position 2336. The methionine at codon 779 is replaced by arginine, an amino acid with similar properties. This amino acid position is not well conserved in available vertebrate species. In addition, the in silico prediction for this alteration is inconclusive. Since supporting evidence is limited at this time, the clinical significance of this alteration remains unclear.